The following is an entry in ClinVar:

ClinVar aggregate classification (germline): Likely benign. Review status: criteria provided, multiple submitters, no conflicts (2 of 4 stars). 3 submissions from 3 submitters: Likely benign (3). Last evaluated 2025-11-07.

Conditions:
TRPV4-related disorder. Also called: TRPV4-related disorders; TRPV4-related condition.
Charcot-Marie-Tooth disease axonal type 2C (HMSN2C). Also called: CHARCOT-MARIE-TOOTH DISEASE, AXONAL, AUTOSOMAL DOMINANT, TYPE 2C; Charcot-Marie-Tooth Neuropathy Type 2C; Charcot-Marie-Tooth Disease Type 2, TRPV4-Related (CMT2C). Identifiers: Orphanet 99937, MedGen C1853710, MONDO:0011633, OMIM 606071.
Inborn genetic diseases. Identifiers: MedGen C0950123, MeSH D030342.

Allele frequency attached by ClinVar (database versions not stated): TOPMed below 0.00001.
gnomAD v4.1: 1 of 1,614,186 alleles (0.000062%); highest among the groups gnomAD compares: Non-Finnish European, 0.000085%; no homozygotes.

Submissions (3):

PreventionGenetics, part of Exact Sciences
Classification: Likely benign for TRPV4-related condition. Last evaluated: 2025-11-07. Review status: criteria provided, single submitter. Criteria: ACMG Guidelines, 2015. Collection method: clinical testing. Allele origin: germline.
Comment: This variant is classified as likely benign based on ACMG/AMP sequence variant interpretation guidelines (Richards et al. 2015 PMID: 25741868, with internal and published modifications).

Ambry Genetics
Classification: Likely benign for Inborn genetic diseases. Last evaluated: 2019-07-11. Review status: criteria provided, single submitter. Criteria: Ambry Variant Classification Scheme 2023. Collection method: clinical testing. Allele origin: germline.

Labcorp Genetics (formerly Invitae), Labcorp
Classification: Likely benign for Charcot-Marie-Tooth disease axonal type 2C. Last evaluated: 2017-09-28. Review status: criteria provided, single submitter. Criteria: Invitae Variant Classification Sherloc (09022015). Collection method: clinical testing. Allele origin: germline.

NM_021625.5(TRPV4):c.336C>A (p.Thr112=)

Gene: TRPV4 (transient receptor potential cation channel subfamily V member 4; minus strand). Cytogenetic location: 12q24.11.
Variant type: single nucleotide variant.
Coding change: c.336C>A on transcript NM_021625.5 (MANE Select); coding-DNA position 336, C replaced by A.
Protein change: p.Thr112=; no amino-acid change (threonine 112 retained).
Molecular consequence: synonymous variant.
Genome position (GRCh38, 1-based): chr12:109,814,461, G>T on the plus strand (C>A on the coding strand, the complement: TRPV4 is on the minus strand). VCF-style: chr12-109814461-G-T. GRCh37 (hg19) VCF-style: chr12-110252266-G-T.
Other names: c.336C>A, p.Thr112= (NM_001177428.2, NM_001177433.2, NM_147204.3); c.234C>A, p.Thr78= (NM_001177431.2).
Identifiers: ClinVar variation 536879 (VCV000536879.10), dbSNP rs969086736, ClinGen allele CA243478716.